The following is an entry in ClinVar:

NM_018122.5(DARS2):c.1876C>G (p.Leu626Val)

Gene: DARS2 (aspartyl-tRNA synthetase 2, mitochondrial; plus strand). Cytogenetic location: 1q25.1.
Variant type: single nucleotide variant.
Coding change: c.1876C>G on transcript NM_018122.5 (MANE Select); coding-DNA position 1876, C replaced by G.
Protein change: p.Leu626Val; replaces leucine 626 with valine.
Molecular consequence: missense variant.
Genome position (GRCh38, 1-based): chr1:173,857,643, C>G. VCF-style: chr1-173857643-C-G. GRCh37 (hg19) VCF-style: chr1-173826781-C-G.
Other names: NM_018122.5(DARS2):c.1876C>G; c.1723C>G, p.Leu575Val (NM_001365212.1); short protein forms L626V, L575V.
Identifiers: ClinVar variation 1058 (VCV000001058.2), dbSNP rs121918205, ClinGen allele CA251676.

ClinVar aggregate classification (germline): Uncertain significance. Review status: criteria provided, single submitter (1 of 4 stars). 2 submissions from 2 submitters: Uncertain significance (1). 1 of the submissions does not count toward it. Last evaluated 2025-01-22.

Conditions:
Leukoencephalopathy with brain stem and spinal cord involvement-high lactate syndrome (LBSL). Also called: MITOCHONDRIAL ASPARTYL-tRNA SYNTHETASE DEFICIENCY; Leukoencephalopathy with Brainstem and Spinal Cord Involvement and Lactate Elevation; LEUKOENCEPHALOPATHY WITH BRAINSTEM AND SPINAL CORD INVOLVEMENT AND LACTATE ELEVATION, MILD. Identifiers: Orphanet 137898, MedGen C1970180, MONDO:0012622, OMIM 611105.

Allele frequency attached by ClinVar (database versions not stated): gnomAD exomes below 0.00001; TOPMed below 0.00001.

Submissions (2):

Broad Center for Mendelian Genomics, Broad Institute of MIT and Harvard
Classification: Uncertain significance for Leukoencephalopathy with brain stem and spinal cord involvement-high lactate syndrome. Last evaluated: 2025-01-22. Review status: criteria provided, single submitter. Criteria: ACMG Guidelines, 2015. Collection method: curation. Allele origin: germline. Inheritance: Autosomal recessive inheritance.
Comment: The p.Leu626Val variant in DARS2 has been reported in 2 individuals with leukoencephalopathy with brain stem and spinal cord involvement-high lactate syndrome (PMID: 17384640, 24566671), and has been identified in 0.0003% (4/1180012) of European (non-Finnish) chromosomes by the Genome Aggregation Database (gnomAD; dbSNP rs121918205). Although this variant has been seen in the general population in a heterozygous state, its frequency is low enough to be consistent with a recessive carrier frequency. This variant has also been reported in ClinVar (Variation ID: 1058) and has been interpreted as pathogenic by OMIM. In vitro functional studies provide some evidence that the p.Leu626Val variant may slightly impact protein function (PMID: 17384640). However, these types of assays may not accurately represent biological function. Computational tools and conservation analyses suggest that this variant may impact the protein, though this information is not predictive enough to determine pathogenicity. In summary, while there is some suspicion for a pathogenic role, the clinical significance of this variant is uncertain. ACMG/AMP Criteria applied: PP3, PM2_supporting, PS3_supporting (Richards 2015).

OMIM
Classification: Pathogenic for LEUKOENCEPHALOPATHY WITH BRAINSTEM AND SPINAL CORD INVOLVEMENT AND LACTATE ELEVATION. Last evaluated: 2007-04-01. Review status: no assertion criteria provided. Collection method: literature only. Allele origin: germline. Not counted in ClinVar's aggregate classification.

Literature cited by the submitters: PubMed 17384640 (cited by OMIM).